The following is an entry in ClinVar:

ClinVar aggregate classification (germline): Pathogenic/Likely pathogenic. Review status: criteria provided, multiple submitters, no conflicts (2 of 4 stars). 5 submissions from 5 submitters: Pathogenic (3); Likely pathogenic (2). Last evaluated 2025-06-25.

Conditions:
Endometrial carcinoma. Also called: Endometrial carcinoma, somatic. Identifiers: MedGen C0476089, MONDO:0002447, OMIM 608089, HP:0012114.
Familial adenomatous polyposis 4 (FAP4). Also called: MSH3-related attenuated familial adenomatous polyposis. Identifiers: Orphanet 480536, MedGen C4310719, MONDO:0044300, OMIM 617100.
Hereditary cancer-predisposing syndrome. Also called: Tumor predisposition; Hereditary neoplastic syndrome; Hereditary Cancer Syndrome; Neoplastic Syndromes, Hereditary. Identifiers: Orphanet 140162, MedGen C0027672, MeSH D009386, MONDO:0015356.

Submissions (5):

Labcorp Genetics (formerly Invitae), Labcorp
Classification: Pathogenic. Last evaluated: 2025-06-25. Review status: criteria provided, single submitter. Criteria: Invitae Variant Classification Sherloc (09022015). Collection method: clinical testing. Allele origin: germline.
Comment: This sequence change creates a premature translational stop signal (p.Glu474Valfs*8) in the MSH3 gene. It is expected to result in an absent or disrupted protein product. Loss-of-function variants in MSH3 are known to be pathogenic (PMID: 27476653, 37402566). This variant is present in population databases (rs778610412, gnomAD 0.002%). This variant has not been reported in the literature in individuals affected with MSH3-related conditions. ClinVar contains an entry for this variant (Variation ID: 660042). For these reasons, this variant has been classified as Pathogenic.

GeneDx
Classification: Likely pathogenic. Last evaluated: 2025-03-17. Review status: criteria provided, single submitter. Criteria: GeneDx Variant Classification Process June 2021. Collection method: clinical testing. Allele origin: germline.
Comment: Frameshift variant predicted to result in protein truncation or nonsense mediated decay in a gene for which loss of function is a known mechanism of disease; Not observed at significant frequency in large population cohorts (gnomAD); Has not been previously published as pathogenic or benign to our knowledge

Ambry Genetics
Classification: Pathogenic for Hereditary cancer-predisposing syndrome. Last evaluated: 2024-03-20. Review status: criteria provided, single submitter. Criteria: Ambry Variant Classification Scheme 2023. Collection method: clinical testing. Allele origin: germline.
Comment: The c.1421_1422delAG pathogenic mutation, located in coding exon 9 of the MSH3 gene, results from a deletion of two nucleotides at nucleotide positions 1421 to 1422, causing a translational frameshift with a predicted alternate stop codon (p.E474Vfs*8). This variant is considered to be rare based on population cohorts in the Genome Aggregation Database (gnomAD). This alteration is expected to result in loss of function by premature protein truncation or nonsense-mediated mRNA decay. As such, this alteration is interpreted as a disease-causing mutation.

Myriad Genetics, Inc.
Classification: Pathogenic for Familial adenomatous polyposis 4. Last evaluated: 2023-08-30. Review status: criteria provided, single submitter. Criteria: Myriad Autosomal Dominant, Autosomal Recessive and X-Linked Classification Criteria (2023). Collection method: clinical testing. Allele origin: unknown.
Comment: This variant is considered pathogenic. This variant creates a frameshift predicted to result in premature protein truncation.

Baylor Genetics
Classification: Likely pathogenic for Endometrial carcinoma. Last evaluated: 2023-08-28. Review status: criteria provided, single submitter. Criteria: ACMG Guidelines, 2015. Collection method: clinical testing. Allele origin: unknown.

Literature cited by the submitters: PubMed 27476653 (cited by Labcorp Genetics (formerly Invitae), Labcorp); PubMed 37402566 (cited by Labcorp Genetics (formerly Invitae), Labcorp).

NM_002439.5(MSH3):c.1421_1422del (p.Glu474fs)

Gene: MSH3 (mutS homolog 3; plus strand). Cytogenetic location: 5q14.1.
Variant type: Microsatellite.
Coding change: c.1421_1422del on transcript NM_002439.5 (MANE Select); coding-DNA positions 1421 to 1422, 2 bases deleted (AG; older notation c.1421_1422delAG).
Protein change: p.Glu474fs; shifts the reading frame from glutamic acid 474.
Molecular consequence: frameshift variant.
Genome position (GRCh38, 1-based): chr5:80,725,533-80,725,534, AG deleted; deleting any 2 consecutive bases within chr5:80,725,531-80,725,534 gives the same sequence; the c. name uses the placement nearest the transcript's 3' end. VCF-style (leftmost placement, unchanged base first): chr5-80725530-CAG-C. GRCh37 (hg19) VCF-style: chr5-80021349-CAG-C.
Other names: c.1421_1422del (NM_002439.4); short protein forms E474fs.
Identifiers: ClinVar variation 660042 (VCV000660042.14), dbSNP rs778610412, ClinGen allele CA3327900.